The following is an entry in ClinVar:

ClinVar aggregate classification (germline): Pathogenic (1 of 4 stars; one submission).

Submission:

Labcorp Genetics (formerly Invitae), Labcorp
Classification: Pathogenic. Last evaluated: 2025-07-10. Review status: criteria provided, single submitter. Criteria: Invitae Variant Classification Sherloc (09022015). Collection method: clinical testing. Allele origin: germline.
Comment: This sequence change creates a premature translational stop signal (p.Ala262Glyfs*9) in the PHEX gene. It is expected to result in an absent or disrupted protein product. Loss-of-function variants in PHEX are known to be pathogenic (PMID: 9097956, 9106524, 19219621). This variant is not present in population databases (gnomAD no frequency). This variant has not been reported in the literature in individuals affected with PHEX-related conditions. For these reasons, this variant has been classified as Pathogenic.

Literature cited by the submitters: PubMed 9097956; PubMed 9106524; PubMed 19219621.

NM_000444.6(PHEX):c.763_784dup (p.Ala262fs)

Gene: PHEX (phosphate regulating endopeptidase X-linked; plus strand). Cytogenetic location: Xp22.11.
Variant type: Duplication.
Coding change: c.763_784dup on transcript NM_000444.6 (MANE Select); coding-DNA positions 763 to 784, 22 bases duplicated (GATACTGCCGTGCTTTTAGGAG).
Protein change: p.Ala262fs; shifts the reading frame from alanine 262.
Molecular consequence: frameshift variant.
Genome position (GRCh38, 1-based): chrX:22,094,013-22,094,034, GATACTGCCGTGCTTTTAGGAG duplicated; duplicating any 22 consecutive bases within chrX:22,094,012-22,094,034 gives the same sequence; the c. name uses the placement nearest the transcript's 3' end. VCF-style (leftmost placement, unchanged base first): chrX-22094011-T-TGGATACTGCCGTGCTTTTAGGA. GRCh37 (hg19) VCF-style: chrX-22112129-T-TGGATACTGCCGTGCTTTTAGGA.
Other names: c.763_784dup, p.Ala262fs (NM_001282754.2); short protein forms A262fs.
Identifiers: ClinVar variation 4722622 (VCV004722622.1).